The following is an entry in ClinVar:

ClinVar aggregate classification (germline): Pathogenic. Review status: criteria provided, multiple submitters, no conflicts (2 of 4 stars). 2 submissions from 2 submitters: Pathogenic (2). Last evaluated 2026-09-03.

Conditions:
Hereditary cancer-predisposing syndrome. Also called: Tumor predisposition; Hereditary neoplastic syndrome; Hereditary Cancer Syndrome; Neoplastic Syndromes, Hereditary. Identifiers: Orphanet 140162, MedGen C0027672, MeSH D009386, MONDO:0015356.
Cardiovascular phenotype. Identifiers: MedGen CN230736.

Submissions (2):

Ambry Genetics
Classification: Pathogenic for Cardiovascular phenotype; Hereditary cancer-predisposing syndrome. Last evaluated: 2026-09-03. Review status: criteria provided, single submitter. Criteria: Ambry Variant Classification Scheme 2023. Collection method: clinical testing. Allele origin: germline.
Comment: The c.70delG pathogenic mutation, located in coding exon 1 of the LZTR1 gene, results from a deletion of one nucleotide at nucleotide position 70, causing a translational frameshift with a predicted alternate stop codon (p.V24*). This alteration is expected to result in loss of function by premature protein truncation or nonsense-mediated mRNA decay. Loss-of-function variants in LZTR1 are related to an increased risk for schwannomas and autosomal recessive Noonan syndrome; however, such associations with autosomal dominant Noonan syndrome have not been observed (Piotrowski A et al. Nat Genet. 2014 Feb;46:182-7; Yamamoto GL et al. J Med Genet. 2015 Jun;52:413-21; Johnston JJ et al. Genet Med. 2018 10;20:1175-1185). Based on the supporting evidence, this variant is pathogenic for an increased risk of LZTR1-related schwannomatosis (SWN) and would be expected to cause autosomal recessive Noonan syndrome when present along with a second pathogenic or likely pathogenic variant on the other allele; however, the association of this variant with autosomal dominant Noonan syndrome is unlikely.

Labcorp Genetics (formerly Invitae), Labcorp
Classification: Pathogenic. Last evaluated: 2024-10-09. Review status: criteria provided, single submitter. Criteria: Invitae Variant Classification Sherloc (09022015). Collection method: clinical testing. Allele origin: germline.
Comment: This sequence change creates a premature translational stop signal (p.Val24*) in the LZTR1 gene. It is expected to result in an absent or disrupted protein product. Loss-of-function variants in LZTR1 are known to be pathogenic (PMID: 24362817, 25335493, 25480913, 25795793, 29469822, 30368668, 30442762, 30442766, 30481304, 30859559). This variant is not present in population databases (gnomAD no frequency). This variant has not been reported in the literature in individuals affected with LZTR1-related conditions. For these reasons, this variant has been classified as Pathogenic.

Literature cited by the submitters: PubMed 24362817 (cited by Labcorp Genetics (formerly Invitae), Labcorp); PubMed 25335493 (cited by Labcorp Genetics (formerly Invitae), Labcorp); PubMed 25480913 (cited by Labcorp Genetics (formerly Invitae), Labcorp); PubMed 25795793 (cited by Labcorp Genetics (formerly Invitae), Labcorp); PubMed 29469822 (cited by Labcorp Genetics (formerly Invitae), Labcorp); PubMed 30368668 (cited by Labcorp Genetics (formerly Invitae), Labcorp); PubMed 30442762 (cited by Labcorp Genetics (formerly Invitae), Labcorp); PubMed 30442766 (cited by Labcorp Genetics (formerly Invitae), Labcorp); PubMed 30481304 (cited by Labcorp Genetics (formerly Invitae), Labcorp); PubMed 30859559 (cited by Labcorp Genetics (formerly Invitae), Labcorp).

NM_006767.4(LZTR1):c.70del (p.Lys23_Val24insTer)

Genes: LZTR1 (leucine zipper like post translational regulator 1; plus strand), LOC130067016 (ATAC-STARR-seq lymphoblastoid silent region 13504; plus strand). Cytogenetic location: 22q11.21.
Variant type: Deletion.
Coding change: c.70del on transcript NM_006767.4 (MANE Select); coding-DNA position 70, one base deleted (G; older notation c.70delG).
Protein change: p.Lys23_Val24insTer.
Molecular consequence: nonsense.
Genome position (GRCh38, 1-based): chr22:20,982,441, G deleted; the last of 2 consecutive G bases (chr22:20,982,440-20,982,441); deleting either gives the same sequence. VCF-style (leftmost placement, unchanged base first): chr22-20982439-AG-A. GRCh37 (hg19) VCF-style: chr22-21336728-AG-A.
Other names: c.70delG (NM_006767.3).
Identifiers: ClinVar variation 3674989 (VCV003674989.3).